The following is an entry in ClinVar:

NM_006947.4(SRP72):c.317A>T (p.Gln106Leu)

Gene: SRP72 (signal recognition particle 72; plus strand). Cytogenetic location: 4q12.
Variant type: single nucleotide variant.
Coding change: c.317A>T on transcript NM_006947.4 (MANE Select); coding-DNA position 317, A replaced by T.
Protein change: p.Gln106Leu; replaces glutamine 106 with leucine.
Molecular consequence: missense variant. On other transcripts: non-coding transcript variant (1).
Genome position (GRCh38, 1-based): chr4:56,471,806, A>T. VCF-style: chr4-56471806-A-T. GRCh37 (hg19) VCF-style: chr4-57337972-A-T.
Other names: c.317A>T, p.Gln106Leu (NM_001267722.2); short protein forms Q106L.
Identifiers: ClinVar variation 4865143 (VCV004865143.1).

ClinVar aggregate classification (germline): Uncertain significance (1 of 4 stars; one submission).

Submission:

Ambry Genetics
Classification: Uncertain significance. Last evaluated: 2026-05-14. Review status: criteria provided, single submitter. Criteria: Ambry Variant Classification Scheme 2023. Collection method: clinical testing. Allele origin: germline.
Comment: The p.Q106L variant (also known as c.317A>T), located in coding exon 3 of the SRP72 gene, results from an A to T substitution at nucleotide position 317. The glutamine at codon 106 is replaced by leucine, an amino acid with dissimilar properties. This amino acid position is conserved. In addition, this alteration is predicted to be tolerated by in silico analysis. Based on the available evidence, the clinical significance of this variant remains unclear.